The following is an entry in ClinVar:

NM_001793.6(CDH3):c.100G>A (p.Ala34Thr)

Genes: CDH3 (cadherin 3; plus strand), CDH3-AS1 (CDH3 antisense RNA 1; minus strand). Cytogenetic location: 16q22.1.
Variant type: single nucleotide variant.
Coding change: c.100G>A on transcript NM_001793.6 (MANE Select); coding-DNA position 100, G replaced by A.
Protein change: p.Ala34Thr; replaces alanine 34 with threonine.
Molecular consequence: missense variant. On other transcripts: intron variant (1).
Genome position (GRCh38, 1-based): chr16:68,645,690, G>A. VCF-style: chr16-68645690-G-A. GRCh37 (hg19) VCF-style: chr16-68679593-G-A.
Other names: c.100G>A, p.Ala34Thr (NM_001317195.3); c.-6+266G>A (NM_001317196.2); short protein forms A34T.
Identifiers: ClinVar variation 320223 (VCV000320223.9), dbSNP rs749754991, ClinGen allele CA8128928.

ClinVar aggregate classification (germline): Uncertain significance. Review status: criteria provided, multiple submitters, no conflicts (2 of 4 stars). 4 submissions from 4 submitters: Uncertain significance (4). Last evaluated 2025-10-23.

Conditions:
EEM syndrome (EEMS). Identifiers: Orphanet 1897, MedGen C1857041, MONDO:0009155, OMIM 225280.
Inborn genetic diseases. Identifiers: MedGen C0950123, MeSH D030342.

Allele frequency attached by ClinVar (database versions not stated): gnomAD below 0.00001 and 0.00001; gnomAD exomes 0.00004 and 0.00005; ExAC 0.00034.
gnomAD v4.1: 52 of 1,546,142 alleles (0.0034%); highest among the groups gnomAD compares: South Asian, 0.058%; no homozygotes.

Submissions (4):

Ambry Genetics
Classification: Uncertain significance for Inborn genetic diseases. Last evaluated: 2025-10-23. Review status: criteria provided, single submitter. Criteria: Ambry Variant Classification Scheme 2023. Collection method: clinical testing. Allele origin: germline.

Labcorp Genetics (formerly Invitae), Labcorp
Classification: Uncertain significance. Last evaluated: 2022-05-03. Review status: criteria provided, single submitter. Criteria: Invitae Variant Classification Sherloc (09022015). Collection method: clinical testing. Allele origin: germline.
Comment: This sequence change replaces alanine, which is neutral and non-polar, with threonine, which is neutral and polar, at codon 34 of the CDH3 protein (p.Ala34Thr). This variant is present in population databases (rs749754991, gnomAD 0.03%). This variant has not been reported in the literature in individuals affected with CDH3-related conditions. ClinVar contains an entry for this variant (Variation ID: 320223). Algorithms developed to predict the effect of missense changes on protein structure and function output the following: SIFT: "Not Available"; PolyPhen-2: "Benign"; Align-GVGD: "Not Available". The threonine amino acid residue is found in multiple mammalian species, which suggests that this missense change does not adversely affect protein function. In summary, the available evidence is currently insufficient to determine the role of this variant in disease. Therefore, it has been classified as a Variant of Uncertain Significance.

Blueprint Genetics
Classification: Uncertain significance. Last evaluated: 2019-08-23. Review status: criteria provided, single submitter. Criteria: ACMG Guidelines, 2015. Collection method: clinical testing. Allele origin: germline.

Illumina Laboratory Services, Illumina
Classification: Uncertain significance for EEM syndrome. Last evaluated: 2018-01-13. Review status: criteria provided, single submitter. Criteria: ICSL Variant Classification Criteria 13 December 2019. Collection method: clinical testing. Allele origin: germline.